The following is an entry in ClinVar:

ClinVar aggregate classification (germline): Uncertain significance. Review status: criteria provided, multiple submitters, no conflicts (2 of 4 stars). 4 submissions from 4 submitters: Uncertain significance (4). Last evaluated 2025-09-22.

Conditions:
Hereditary cancer-predisposing syndrome. Also called: Neoplastic Syndromes, Hereditary; Tumor predisposition; Hereditary Cancer Syndrome; Hereditary neoplastic syndrome. Identifiers: Orphanet 140162, MedGen C0027672, MeSH D009386, MONDO:0015356.
Hereditary nonpolyposis colon cancer (HNPCC). Also called: Hereditary Nonpolyposis Colorectal Cancer Syndrome; Hereditary nonpolyposis colorectal cancer; Familial nonpolyposis colon cancer. Identifiers: Orphanet 443909, MedGen C1333990, MONDO:0018630. Disease mechanism: loss of function.

Submissions (4):

Labcorp Genetics (formerly Invitae), Labcorp
Classification: Uncertain significance. Last evaluated: 2025-09-22. Review status: criteria provided, single submitter. Criteria: Invitae Variant Classification Sherloc (09022015). Collection method: clinical testing. Allele origin: germline.
Comment: This sequence change replaces serine, which is neutral and polar, with alanine, which is neutral and non-polar, at codon 118 of the CTNNA1 protein (p.Ser118Ala). This variant is not present in population databases (gnomAD no frequency). This variant has not been reported in the literature in individuals affected with CTNNA1-related conditions. ClinVar contains an entry for this variant (Variation ID: 1732358). Invitae Evidence Modeling of protein sequence and biophysical properties (such as structural, functional, and spatial information, amino acid conservation, physicochemical variation, residue mobility, and thermodynamic stability) indicates that this missense variant is not expected to disrupt CTNNA1 protein function with a negative predictive value of 80%. In summary, the available evidence is currently insufficient to determine the role of this variant in disease. Therefore, it has been classified as a Variant of Uncertain Significance.

Ambry Genetics
Classification: Uncertain significance for Hereditary cancer-predisposing syndrome. Last evaluated: 2025-07-12. Review status: criteria provided, single submitter. Criteria: Ambry Variant Classification Scheme 2023. Collection method: clinical testing. Allele origin: germline.
Comment: The p.S118A variant (also known as c.352T>G), located in coding exon 3 of the CTNNA1 gene, results from a T to G substitution at nucleotide position 352. The serine at codon 118 is replaced by alanine, an amino acid with similar properties. This amino acid position is conserved. In addition, this alteration is predicted to be tolerated by in silico analysis. Since supporting evidence is limited at this time, the clinical significance of this alteration remains unclear.

GeneDx
Classification: Uncertain significance. Last evaluated: 2023-12-08. Review status: criteria provided, single submitter. Criteria: GeneDx Variant Classification Process June 2021. Collection method: clinical testing. Allele origin: germline. Affected: yes.
Comment: Not observed at significant frequency in large population cohorts (gnomAD); In silico analysis supports that this missense variant does not alter protein structure/function; Has not been previously published as pathogenic or benign to our knowledge

Department of Pathology and Laboratory Medicine, Sinai Health System
Classification: Uncertain significance for hereditary nonpolyposis colon cancer. Last evaluated: 2022-12-19. Review status: criteria provided, single submitter. Criteria: ACMG Guidelines, 2015. Collection method: clinical testing. Allele origin: germline. Affected: yes.

NM_001903.5(CTNNA1):c.352T>G (p.Ser118Ala)

Gene: CTNNA1 (catenin alpha 1; plus strand). Cytogenetic location: 5q31.2.
Variant type: single nucleotide variant.
Coding change: c.352T>G on transcript NM_001903.5 (MANE Select); coding-DNA position 352, T replaced by G.
Protein change: p.Ser118Ala; replaces serine 118 with alanine.
Molecular consequence: missense variant. On other transcripts: intron variant (1).
Genome position (GRCh38, 1-based): chr5:138,810,088, T>G. VCF-style: chr5-138810088-T-G. GRCh37 (hg19) VCF-style: chr5-138145777-T-G.
Other names: c.352T>G, p.Ser118Ala (NM_001290307.3, NM_001323982.2, NM_001323983.1 and 3 more transcripts); c.43T>G, p.Ser15Ala (NM_001290309.3); c.-5-13T>G (NM_001290310.3); c.352T>G (NM_001903.3); short protein forms S15A, S118A.
Identifiers: ClinVar variation 1732358 (VCV001732358.10), dbSNP rs2532329894, ClinGen allele CA361122971.